The following is an entry in ClinVar:

ClinVar aggregate classification (germline): Pathogenic/Likely pathogenic. Review status: criteria provided, multiple submitters, no conflicts (2 of 4 stars). 4 submissions from 3 submitters: Pathogenic (1); Likely pathogenic (1). 2 of the submissions do not count toward it. Last evaluated 2022-08-05.

Conditions:
Heimler syndrome 1 (HMLR1). Also called: PEROXISOME BIOGENESIS DISORDER 1C. Identifiers: Orphanet 3220, MedGen C4551980, OMIM 234580, MONDO:0024544.
Zellweger spectrum disorders (ZS). Also called: Zellweger Spectrum Disorder (ZSD); Zellweger Spectrum Disorder; Zellweger Spectrum; Zellweger syndrome. Identifiers: Orphanet 912, MedGen C0043459, MONDO:0019609.
Peroxisome biogenesis disorder 1B (PBD1B). Also called: Refsum disease, infantile form; Infantile Refsum disease; Infantile form of phytanic acid storage disease; PEROXISOME BIOGENESIS DISORDER (NEONATAL ADRENOLEUKODYSTROPHY/INFANTILE REFSUM DISEASE); INFANTILE PHYTANIC ACID STORAGE DISEASE; PEROXISOME BIOGENESIS DISORDER (NALD/IRD). Identifiers: Orphanet 44, MedGen C0282527, MONDO:0011101, OMIM 601539.
Peroxisome biogenesis disorder 1A (Zellweger) (PBD1A). Also called: Zellweger leukodystrophy; Peroxisome biogenesis disorder 1a. Identifiers: MedGen C4721541, MONDO:0008953, OMIM 214100.

Submissions (4):

Labcorp Genetics (formerly Invitae), Labcorp
Classification: Pathogenic for Zellweger spectrum disorders. Last evaluated: 2022-08-05. Review status: criteria provided, single submitter. Criteria: Invitae Variant Classification Sherloc (09022015). Collection method: clinical testing. Allele origin: germline.
Comment: This sequence change creates a premature translational stop signal (p.Glu510*) in the PEX1 gene. It is expected to result in an absent or disrupted protein product. Loss-of-function variants in PEX1 are known to be pathogenic (PMID: 9398847, 16086329, 16141001, 21031596, 26387595, 31831025). This variant is present in population databases (rs754983126, gnomAD 0.003%). This variant has not been reported in the literature in individuals affected with PEX1-related conditions. ClinVar contains an entry for this variant (Variation ID: 371690). Algorithms developed to predict the effect of sequence changes on RNA splicing suggest that this variant may disrupt the consensus splice site. For these reasons, this variant has been classified as Pathogenic.

Baylor Genetics
Classification: Likely pathogenic for Heimler syndrome 1. Last evaluated: 2022-04-07. Review status: criteria provided, single submitter. Criteria: ACMG Guidelines, 2015. Collection method: clinical testing. Allele origin: unknown.

Counsyl
Classification: Likely pathogenic for Peroxisome biogenesis disorder 1A (Zellweger). Last evaluated: 2015-12-09. Review status: no assertion criteria provided. Collection method: clinical testing. Allele origin: unknown. Not counted in ClinVar's aggregate classification.

Counsyl
Classification: Likely pathogenic for Peroxisome biogenesis disorder 1B. Last evaluated: 2015-12-09. Review status: no assertion criteria provided. Collection method: clinical testing. Allele origin: unknown. Not counted in ClinVar's aggregate classification.

Literature cited by the submitters: PubMed 9398847 (cited by Labcorp Genetics (formerly Invitae), Labcorp); PubMed 16086329 (cited by Labcorp Genetics (formerly Invitae), Labcorp); PubMed 16141001 (cited by Labcorp Genetics (formerly Invitae), Labcorp); PubMed 21031596 (cited by Labcorp Genetics (formerly Invitae), Labcorp); PubMed 26387595 (cited by Labcorp Genetics (formerly Invitae), Labcorp); PubMed 31831025 (cited by Labcorp Genetics (formerly Invitae), Labcorp).

NM_000466.3(PEX1):c.1528G>T (p.Glu510Ter)

Gene: PEX1 (peroxisomal biogenesis factor 1; minus strand). Cytogenetic location: 7q21.2.
Variant type: single nucleotide variant.
Coding change: c.1528G>T on transcript NM_000466.3 (MANE Select); coding-DNA position 1528, G replaced by T.
Protein change: p.Glu510Ter; replaces glutamic acid 510 with a stop codon.
Molecular consequence: nonsense.
Genome position (GRCh38, 1-based): chr7:92,511,003, C>A on the plus strand (G>T on the coding strand, the complement: PEX1 is on the minus strand). VCF-style: chr7-92511003-C-A. GRCh37 (hg19) VCF-style: chr7-92140317-C-A.
Other names: c.904G>T, p.Glu302Ter (NM_001282678.2); c.1528G>T, p.Glu510Ter (NM_001282677.2); short protein forms E510*, E302*.
Identifiers: ClinVar variation 371690 (VCV000371690.8), dbSNP rs754983126, ClinGen allele CA4341376.